The following is an entry in ClinVar:

ClinVar aggregate classification (germline): Uncertain significance (1 of 4 stars; one submission).

Allele frequency attached by ClinVar (database versions not stated): gnomAD exomes below 0.00001; TOPMed below 0.00001.

Submission:

Labcorp Genetics (formerly Invitae), Labcorp
Classification: Uncertain significance. Last evaluated: 2022-03-10. Review status: criteria provided, single submitter. Criteria: Invitae Variant Classification Sherloc (09022015). Collection method: clinical testing. Allele origin: germline.
Comment: In summary, the available evidence is currently insufficient to determine the role of this variant in disease. Therefore, it has been classified as a Variant of Uncertain Significance. Algorithms developed to predict the effect of missense changes on protein structure and function (SIFT, PolyPhen-2, Align-GVGD) all suggest that this variant is likely to be disruptive. This variant has not been reported in the literature in individuals affected with ATOH7-related conditions. This variant is not present in population databases (gnomAD no frequency). This sequence change replaces arginine, which is basic and polar, with serine, which is neutral and polar, at codon 42 of the ATOH7 protein (p.Arg42Ser).

NM_145178.4(ATOH7):c.124C>A (p.Arg42Ser)

Gene: ATOH7 (atonal bHLH transcription factor 7; minus strand). Cytogenetic location: 10q21.3.
Variant type: single nucleotide variant.
Coding change: c.124C>A on transcript NM_145178.4 (MANE Select); coding-DNA position 124, C replaced by A.
Protein change: p.Arg42Ser; replaces arginine 42 with serine.
Molecular consequence: missense variant.
Genome position (GRCh38, 1-based): chr10:68,231,554, G>T on the plus strand (C>A on the coding strand, the complement: ATOH7 is on the minus strand). VCF-style: chr10-68231554-G-T. GRCh37 (hg19) VCF-style: chr10-69991311-G-T.
Other names: short protein forms R42S.
Identifiers: ClinVar variation 1378753 (VCV001378753.6), dbSNP rs751214066, ClinGen allele CA208209959.
Genomic context (GRCh38, chr10:68,231,554, plus strand): 5'-GGTCGAAGGCAGTGTTGAGCCCCTGCATGCGGCGGCGCTCGCGCGCGTTGGCCGCCAGGC[G>T]CCTGCGCGCCGCGCTCTCCAGCCGCCCGGCCCCGGCGCACGTGCCCGCGCACTCGGTGCC-3'
Protein context (NP_660161.1, residues 32-52): AGRLESAARR[Arg42Ser]LAANARERRR